The following is an entry in ClinVar:

ClinVar aggregate classification (germline): Uncertain significance (1 of 4 stars; one submission).

Conditions:
PCNT-related disorder. Also called: PCNT-related condition.

gnomAD v4.1: 6 of 1,614,086 alleles (0.00037%); highest among the groups gnomAD compares: African/African-American, 0.004%; no homozygotes.

Submission:

PreventionGenetics, part of Exact Sciences
Classification: Uncertain significance for PCNT-related condition. Last evaluated: 2025-08-04. Review status: criteria provided, single submitter. Criteria: ACMG Guidelines, 2015. Collection method: clinical testing. Allele origin: germline.
Comment: The PCNT c.1972G>A variant is predicted to result in the amino acid substitution p.Gly658Arg. To our knowledge, this variant has not been reported in the literature. This variant is reported in 0.012% of alleles in individuals of African descent in gnomAD. At this time, the clinical significance of this variant is uncertain due to the absence of conclusive functional and genetic evidence.

NM_006031.6(PCNT):c.1972G>A (p.Gly658Arg)

Gene: PCNT (pericentrin; plus strand). Cytogenetic location: 21q22.3.
Variant type: single nucleotide variant.
Coding change: c.1972G>A on transcript NM_006031.6 (MANE Select); coding-DNA position 1972, G replaced by A.
Protein change: p.Gly658Arg; replaces glycine 658 with arginine.
Molecular consequence: missense variant.
Genome position (GRCh38, 1-based): chr21:46,357,009, G>A. VCF-style: chr21-46357009-G-A. GRCh37 (hg19) VCF-style: chr21-47776924-G-A.
Other names: c.1618G>A, p.Gly540Arg (NM_001315529.2); short protein forms G540R, G658R.
Identifiers: ClinVar variation 4988224 (VCV004988224.1).
Genomic context (GRCh38, chr21:46,357,009, plus strand): 5'-TCTTCCCTGCTCCTTTTCCACACAGAGCTTCCCTGGGTGCATCTCCAGGGTGTGCAGGAC[G>A]GGGACTTGGAGGCCGACACAGAGCGGGCAGCCAGAGTCTTGGGTCTGGAAACTGAGCACA-3'
Protein context (NP_006022.3, residues 648-668): PWVHLQGVQD[Gly658Arg]DLEADTERAA